The following is an entry in ClinVar:

NM_005356.5(LCK):c.244T>C (p.Phe82Leu)

Gene: LCK (LCK proto-oncogene, Src family tyrosine kinase; plus strand). Cytogenetic location: 1p35.2.
Variant type: single nucleotide variant.
Coding change: c.244T>C on transcript NM_005356.5 (MANE Select); coding-DNA position 244, T replaced by C.
Protein change: p.Phe82Leu; replaces phenylalanine 82 with leucine.
Molecular consequence: missense variant.
Genome position (GRCh38, 1-based): chr1:32,275,049, T>C. VCF-style: chr1-32275049-T-C. GRCh37 (hg19) VCF-style: chr1-32740650-T-C.
Other names: c.244T>C, p.Phe82Leu (NM_001042771.3, NM_001330468.2); short protein forms F82L.
Identifiers: ClinVar variation 1979962 (VCV001979962.3), dbSNP rs533969475, ClinGen allele CA741047.

ClinVar aggregate classification (germline): Uncertain significance (1 of 4 stars; one submission).

Conditions:
Severe combined immunodeficiency due to LCK deficiency. Also called: Immunodeficiency 22. Identifiers: Orphanet 280142, MedGen C4014233, MONDO:0014334, OMIM 615758.

Allele frequency attached by ClinVar (database versions not stated): gnomAD 0.00002; gnomAD exomes 0.00003; ExAC 0.00009; 1000 Genomes Project 30x 0.00016; 1000 Genomes Project 0.00020.
gnomAD v4.1: 45 of 1,613,974 alleles (0.0028%); highest among the groups gnomAD compares: South Asian, 0.048%; no homozygotes.

Submission:

Labcorp Genetics (formerly Invitae), Labcorp
Classification: Uncertain significance for Severe combined immunodeficiency due to LCK deficiency. Last evaluated: 2022-05-29. Review status: criteria provided, single submitter. Criteria: Invitae Variant Classification Sherloc (09022015). Collection method: clinical testing. Allele origin: germline.
Comment: This sequence change replaces phenylalanine, which is neutral and non-polar, with leucine, which is neutral and non-polar, at codon 82 of the LCK protein (p.Phe82Leu). In summary, the available evidence is currently insufficient to determine the role of this variant in disease. Therefore, it has been classified as a Variant of Uncertain Significance. Algorithms developed to predict the effect of missense changes on protein structure and function are either unavailable or do not agree on the potential impact of this missense change (SIFT: "Deleterious"; PolyPhen-2: "Benign"; Align-GVGD: "Class C0"). This variant has not been reported in the literature in individuals affected with LCK-related conditions. This variant is present in population databases (rs533969475, gnomAD 0.05%).